The following is an entry in ClinVar:

ClinVar aggregate classification (germline): Uncertain significance. Review status: criteria provided, multiple submitters, no conflicts (2 of 4 stars). 3 submissions from 3 submitters: Uncertain significance (3). Last evaluated 2025-09-25.

Conditions:
Inborn genetic diseases. Identifiers: MedGen C0950123, MeSH D030342.

Allele frequency attached by ClinVar (database versions not stated): ExAC 0.00001; gnomAD 0.00001; gnomAD exomes 0.00001; TOPMed 0.00003.
gnomAD v4.1: 38 of 1,612,940 alleles (0.0024%); highest among the groups gnomAD compares: Non-Finnish European, 0.0031%; no homozygotes.

Submissions (3):

Ambry Genetics
Classification: Uncertain significance for Inborn genetic diseases. Last evaluated: 2025-09-25. Review status: criteria provided, single submitter. Criteria: Ambry Variant Classification Scheme 2023. Collection method: clinical testing. Allele origin: germline.

Blueprint Genetics
Classification: Uncertain significance. Last evaluated: 2022-03-02. Review status: criteria provided, single submitter. Criteria: ACMG Guidelines, 2015. Collection method: clinical testing. Allele origin: germline.

Laboratory for Molecular Medicine, Mass General Brigham Personalized Medicine
Classification: Uncertain significance. Last evaluated: 2018-06-06. Review status: criteria provided, single submitter. Criteria: LMM Criteria. Collection method: clinical testing. Allele origin: germline. Observed: 1 variant allele.
Comment: The p.Ala1629Ser variant in MYH14 has not been previously reported in individual s with hearing loss but has been identified in 2/110812 European chromosomes by the Genome Aggregation Database (gnomAD; dbSNP rs754931173). Although this variant has been seen in the general population, it s frequency is not high enough to rule out a pathogenic role. Computational pre diction tools and conservation analysis suggest that the p.Ala1629Ser variant ma y impact the protein, though this information is not predictive enough to determ ine pathogenicity. In summary, the clinical significance of the p.Ala1629Ser var iant is uncertain. ACMG/AMP Criteria applied: PP3, PM2.

NM_001145809.2(MYH14):c.4885G>T (p.Ala1629Ser)

Gene: MYH14 (myosin heavy chain 14; plus strand). Cytogenetic location: 19q13.33.
Variant type: single nucleotide variant.
Coding change: c.4885G>T on transcript NM_001145809.2 (MANE Select); coding-DNA position 4885, G replaced by T.
Protein change: p.Ala1629Ser; replaces alanine 1629 with serine.
Molecular consequence: missense variant.
Genome position (GRCh38, 1-based): chr19:50,289,568, G>T. VCF-style: chr19-50289568-G-T. GRCh37 (hg19) VCF-style: chr19-50792825-G-T.
Other names: c.4786G>T, p.Ala1596Ser (NM_001077186.2); c.4762G>T, p.Ala1588Ser (NM_024729.4); c.4762G>T (NM_024729.3); short protein forms A1588S, A1629S, A1596S.
Identifiers: ClinVar variation 667266 (VCV000667266.6), dbSNP rs754931173, ClinGen allele CA9593629.